The following is an entry in ClinVar:

ClinVar aggregate classification (germline): Pathogenic (0 of 4 stars; one submission).

Conditions:
Birt-Hogg-Dube syndrome. Also called: Birt Hogg Dubé syndrome. Identifiers: Orphanet 122, MedGen C0346010, MONDO:0800444.

Submission:

Division of Respiratory Medicine of Juntendo University, Juntendo University Faculty of Medicine and Graduate School of Medicine
Classification: Pathogenic for Birt-Hogg-Dube syndrome 1. Last evaluated: 2019-11-01. Review status: no assertion criteria provided. Collection method: clinical testing. Allele origin: germline. Inheritance: Autosomal dominant inheritance. Affected: yes. Observed: 1 heterozygote.
Comment: This variant is a large genomic deletion including non-coding exon 1 of the FLCN gene. FLCN exon 1 functions as promoter for FLCN by luciferase reporter assay (PMID: 21412933). This variant has already been observed in several unrelated individuals affected with Birt-Hogg-Dube syndrome (PMID: 21412933). We demonstrated the genomic deletion including FLCN exon 1 caused a complete silencing of FLCN transcription from the affected allele of patients' cell. For these reasons, this variant has been classified as pathogenic.

NC_000017.10:g.(?_17140226)_(17140502_?)del

Gene: FLCN (folliculin; minus strand). Cytogenetic location: 17p11.2.
Variant type: Deletion.
Identifiers: ClinVar variation 989474 (VCV000989474.3).